The following is an entry in ClinVar:

NM_001035.3(RYR2):c.2973A>G (p.Ser991=)

Gene: RYR2 (ryanodine receptor 2; plus strand). Cytogenetic location: 1q43.
Variant type: single nucleotide variant.
Coding change: c.2973A>G on transcript NM_001035.3 (MANE Select); coding-DNA position 2973, A replaced by G.
Protein change: p.Ser991=; no amino-acid change (serine 991 retained).
Molecular consequence: synonymous variant.
Genome position (GRCh38, 1-based): chr1:237,548,497, A>G. VCF-style: chr1-237548497-A-G. GRCh37 (hg19) VCF-style: chr1-237711797-A-G.
Other names: p.Ser991=.
Identifiers: ClinVar variation 43763 (VCV000043763.46), dbSNP rs2253273, ClinGen allele CA008996.
Genomic context (GRCh38, chr1:237,548,497, plus strand): 5'-GCTGACAAGTGGATACAAGCCTGCCCCTATGGACCTGAGCTTTATCAAACTCACCCCATC[A>G]CAAGAAGCAATGGTGGACAAGTTGGCAGAAAATGCACATAATGTGTGGGCGCGGGATCGA-3'
Protein context (NP_001026.2, residues 981-1001): MDLSFIKLTP[Ser991=]QEAMVDKLAE

ClinVar aggregate classification (germline): Benign. Review status: criteria provided, multiple submitters, no conflicts (2 of 4 stars). 20 submissions from 17 submitters: Benign (17). 3 of the submissions do not count toward it. Last evaluated 2026-02-04.

Conditions:
Cardiac arrhythmia. Also called: Arrhythmia; Cardiac rhythm disease. Identifiers: MedGen C0003811, MONDO:0007263, HP:0011675.
Cardiovascular phenotype. Identifiers: MedGen CN230736.
Catecholaminergic polymorphic ventricular tachycardia 1. Also called: VENTRICULAR TACHYCARDIA, CATECHOLAMINERGIC POLYMORPHIC, 1, WITH OR WITHOUT ATRIAL DYSFUNCTION AND/OR DILATED CARDIOMYOPATHY; VENTRICULAR TACHYCARDIA, STRESS-INDUCED POLYMORPHIC 1; RYR2-Related Catecholaminergic Polymorphic Ventricular Tachycardia. Identifiers: Orphanet 3286, MedGen C1631597, MONDO:0011484, OMIM 604772.
Cardiomyopathy (CMYO). Also called: Cardiomyopathies. Identifiers: Orphanet 167848, MedGen C0878544, MONDO:0004994, HP:0001638. Inheritance: Various modes of inheritance.
Arrhythmogenic right ventricular dysplasia 2. Identifiers: MedGen C1832931.
Catecholaminergic polymorphic ventricular tachycardia (CVPT). Also called: Catecholamine-induced polymorphic ventricular tachycardia. Identifiers: Orphanet 3286, MedGen C5574922, MONDO:0017990.

Allele frequency attached by ClinVar (database versions not stated): 1000 Genomes Project 30x 0.82495; 1000 Genomes Project 0.83027; TOPMed 0.84245; gnomAD 0.84980 and 0.85646; ESP Exome Variant Server 0.85111.
gnomAD v4.1: 1,516,605 of 1,613,830 alleles (94%); highest among the groups gnomAD compares: South Asian, 97%; 717,552 homozygotes.

Submissions (20):

Labcorp Genetics (formerly Invitae), Labcorp
Classification: Benign for Catecholaminergic polymorphic ventricular tachycardia 1. Last evaluated: 2026-02-04. Review status: criteria provided, single submitter. Criteria: Invitae Variant Classification Sherloc (09022015). Collection method: clinical testing. Allele origin: germline.

Blueprint Genetics
Classification: Benign. Last evaluated: 2024-11-26. Review status: criteria provided, single submitter. Criteria: ACMG Guidelines, 2015. Collection method: clinical testing. Allele origin: germline.

All of Us Research Program, National Institutes of Health
Classification: Benign for Catecholaminergic polymorphic ventricular tachycardia. Last evaluated: 2024-02-05. Review status: criteria provided, single submitter. Criteria: ACMG Guidelines, 2015. Collection method: clinical testing. Allele origin: germline. Inheritance: Autosomal dominant inheritance. Observed: 105,115 variant alleles, 12,322 heterozygotes, 92,793 homozygotes.
Comment: This study involves interpretation of variants in research participants for the purpose of population health screening. Participant phenotype was not available at the time of variant classification. Additional details can be found in publication PMID: 35346344, PMCID: PMC8962531

Genome-Nilou Lab
Classification: Benign for Catecholaminergic polymorphic ventricular tachycardia 1. Last evaluated: 2021-11-07. Review status: criteria provided, single submitter. Criteria: ACMG Guidelines, 2015. Collection method: clinical testing. Allele origin: germline. Affected: no.

Genome-Nilou Lab
Classification: Benign for Ventricular arrhythmias due to cardiac ryanodine receptor calcium release deficiency syndrome. Last evaluated: 2021-11-07. Review status: criteria provided, single submitter. Criteria: ACMG Guidelines, 2015. Collection method: clinical testing. Allele origin: germline. Affected: no.

Genome-Nilou Lab
Classification: Benign for Catecholaminergic polymorphic ventricular tachycardia 1. Last evaluated: 2021-11-07. Review status: criteria provided, single submitter. Criteria: ACMG Guidelines, 2015. Collection method: clinical testing. Allele origin: germline. Affected: no.

Molecular Diagnostic Laboratory for Inherited Cardiovascular Disease, Montreal Heart Institute
Classification: Benign. Last evaluated: 2020-05-28. Review status: criteria provided, single submitter. Criteria: ACMG Guidelines, 2015. Collection method: clinical testing. Allele origin: germline. Affected: yes.

Color Diagnostics, LLC DBA Color Health
Classification: Benign for Cardiomyopathy. Last evaluated: 2018-03-15. Review status: criteria provided, single submitter. Criteria: ACMG Guidelines, 2015. Collection method: clinical testing. Allele origin: germline.

Illumina Laboratory Services, Illumina
Classification: Benign for Catecholaminergic polymorphic ventricular tachycardia 1. Last evaluated: 2018-01-13. Review status: criteria provided, single submitter. Criteria: ICSL Variant Classification Criteria 13 December 2019. Collection method: clinical testing. Allele origin: germline.
Comment: This variant was observed in the ICSL laboratory as part of a predisposition screen in an ostensibly healthy population. It had not been previously curated by ICSL or reported in the Human Gene Mutation Database (HGMD: prior to June 1st, 2018), and was therefore a candidate for classification through an automated scoring system. Utilizing variant allele frequency, disease prevalence and penetrance estimates, and inheritance mode, an automated score was calculated to assess if this variant is too frequent to cause the disease. Based on the score and internal cut-off values, a variant classified as benign is not then subjected to further curation. The score for this variant resulted in a classification of benign for this disease.

Illumina Laboratory Services, Illumina
Classification: Benign for Catecholaminergic polymorphic ventricular tachycardia 1. Last evaluated: 2018-01-13. Review status: criteria provided, single submitter. Criteria: ICSL Variant Classification Criteria 13 December 2019. Collection method: clinical testing. Allele origin: germline.
Comment: the same text as in the submission from Illumina Laboratory Services, Illumina above.

Ambry Genetics
Classification: Benign for Cardiovascular phenotype. Last evaluated: 2015-03-09. Review status: criteria provided, single submitter. Criteria: Ambry Variant Classification Scheme 2023. Collection method: clinical testing. Allele origin: germline.

GeneDx
Classification: Benign. Last evaluated: 2015-03-03. Review status: criteria provided, single submitter. Criteria: GeneDx Variant Classification Process June 2021. Collection method: clinical testing. Allele origin: germline. Affected: yes.

Eurofins Ntd Llc (ga)
Classification: Benign. Last evaluated: 2014-09-15. Review status: criteria provided, single submitter. Criteria: EGL Classification Definitions 2015. Collection method: clinical testing. Allele origin: germline. Observed: 2 variant alleles, 2 homozygotes.

Mayo Clinic Laboratories, Mayo Clinic
Classification: Benign. Last evaluated: 2014-02-25. Review status: criteria provided, single submitter. Criteria: ACMG Guidelines, 2015. Collection method: clinical testing. Allele origin: germline. Observed: 1,269 variant alleles.

Laboratory for Molecular Medicine, Mass General Brigham Personalized Medicine
Classification: Benign. Last evaluated: 2011-09-16. Review status: criteria provided, single submitter. Criteria: LMM Criteria. Collection method: clinical testing. Allele origin: germline. Observed: 1,775 variant alleles.

Breakthrough Genomics
Classification: Benign. Review status: criteria provided, single submitter. Criteria: ACMG Guidelines, 2015. Collection method: not provided. Allele origin: germline. Inheritance: Autosomal dominant inheritance. Affected: yes.

PreventionGenetics, part of Exact Sciences
Classification: Benign. Review status: criteria provided, single submitter. Criteria: ACMG Guidelines, 2015. Collection method: clinical testing. Allele origin: germline.

Clinical Genetics, Academic Medical Center
Classification: Benign. Review status: no assertion criteria provided. Collection method: clinical testing. Allele origin: germline. Affected: yes. Study: VKGL Data-share Consensus. Not counted in ClinVar's aggregate classification.

Diagnostic Laboratory, Department of Genetics, University Medical Center Groningen
Classification: Benign. Review status: no assertion criteria provided. Collection method: clinical testing. Allele origin: germline. Affected: yes. Study: VKGL Data-share Consensus. Not counted in ClinVar's aggregate classification.

Joint Genome Diagnostic Labs from Nijmegen and Maastricht, Radboudumc and MUMC+
Classification: Benign. Review status: no assertion criteria provided. Collection method: clinical testing. Allele origin: germline. Affected: yes. Study: VKGL Data-share Consensus. Not counted in ClinVar's aggregate classification.